The following is an entry in ClinVar:

NM_001211.6(BUB1B):c.1873A>T (p.Ile625Leu)

Gene: BUB1B (BUB1 mitotic checkpoint serine/threonine kinase B; plus strand). Cytogenetic location: 15q15.1.
Variant type: single nucleotide variant.
Coding change: c.1873A>T on transcript NM_001211.6 (MANE Select); coding-DNA position 1873, A replaced by T.
Protein change: p.Ile625Leu; replaces isoleucine 625 with leucine.
Molecular consequence: missense variant.
Genome position (GRCh38, 1-based): chr15:40,206,322, A>T. VCF-style: chr15-40206322-A-T. GRCh37 (hg19) VCF-style: chr15-40498523-A-T.
Other names: short protein forms I625L.
Identifiers: ClinVar variation 1781726 (VCV001781726.2), dbSNP rs1431396417, ClinGen allele CA391692582.

ClinVar aggregate classification (germline): Uncertain significance (1 of 4 stars; one submission).

Conditions:
Inborn genetic diseases. Identifiers: MedGen C0950123, MeSH D030342.

gnomAD v4.1: 1 of 1,614,164 alleles (0.000062%); highest among the groups gnomAD compares: Non-Finnish European, 0.000085%; no homozygotes.

Submission:

Ambry Genetics
Classification: Uncertain significance for Inborn genetic diseases. Last evaluated: 2022-09-04. Review status: criteria provided, single submitter. Criteria: Ambry Variant Classification Scheme 2023. Collection method: clinical testing. Allele origin: germline.
Comment: The p.I625L variant (also known as c.1873A>T), located in coding exon 15 of the BUB1B gene, results from an A to T substitution at nucleotide position 1873. The isoleucine at codon 625 is replaced by leucine, an amino acid with highly similar properties. This amino acid position is conserved. In addition, this alteration is predicted to be tolerated by in silico analysis. Since supporting evidence is limited at this time, the clinical significance of this alteration remains unclear.